The following is an entry in ClinVar:

NM_182914.3(SYNE2):c.8748G>T (p.Gln2916His)

Gene: SYNE2 (spectrin repeat containing nuclear envelope protein 2; plus strand). Cytogenetic location: 14q23.2.
Variant type: single nucleotide variant.
Coding change: c.8748G>T on transcript NM_182914.3 (MANE Select); coding-DNA position 8748, G replaced by T.
Protein change: p.Gln2916His; replaces glutamine 2916 with histidine.
Molecular consequence: missense variant.
Genome position (GRCh38, 1-based): chr14:64,052,661, G>T. VCF-style: chr14-64052661-G-T. GRCh37 (hg19) VCF-style: chr14-64519379-G-T.
Other names: c.8748G>T, p.Gln2916His (NM_015180.6); short protein forms Q2916H.
Identifiers: ClinVar variation 3645089 (VCV003645089.2).
Genomic context (GRCh38, chr14:64,052,661, plus strand): 5'-GGAGCTAACAAACATCTATGAGGAGCTGAATGTGTTTGAAAGATTATTTCTGGAAGATCA[G>T]TTGAAAAATCTTAAGATTAGGACCAACAGAATACAAAGATTCATTCAGAATACATGTAAT-3'
Protein context (NP_878918.2, residues 2906-2926): NVFERLFLED[Gln2916His]LKNLKIRTNR

ClinVar aggregate classification (germline): Uncertain significance (1 of 4 stars; one submission).

Conditions:
Emery-Dreifuss muscular dystrophy 5, autosomal dominant (EDMD5). Also called: EMERY-DREIFUSS MUSCULAR DYSTROPHY 5. Identifiers: Orphanet 261, MedGen C2751805, MONDO:0013072, OMIM 612999.

Submission:

Labcorp Genetics (formerly Invitae), Labcorp
Classification: Uncertain significance for Emery-Dreifuss muscular dystrophy 5, autosomal dominant. Last evaluated: 2024-03-07. Review status: criteria provided, single submitter. Criteria: Invitae Variant Classification Sherloc (09022015). Collection method: clinical testing. Allele origin: germline.
Comment: This sequence change replaces glutamine, which is neutral and polar, with histidine, which is basic and polar, at codon 2916 of the SYNE2 protein (p.Gln2916His). This variant is not present in population databases (gnomAD no frequency). This variant has not been reported in the literature in individuals affected with SYNE2-related conditions. Algorithms developed to predict the effect of missense changes on protein structure and function output the following: SIFT: "Not Available"; PolyPhen-2: "Benign"; Align-GVGD: "Not Available". The histidine amino acid residue is found in multiple mammalian species, which suggests that this missense change does not adversely affect protein function. In summary, the available evidence is currently insufficient to determine the role of this variant in disease. Therefore, it has been classified as a Variant of Uncertain Significance.